The following is an entry in ClinVar:

NM_013339.4(ALG6):c.1112T>C (p.Leu371Pro)

Gene: ALG6 (ALG6 alpha-1,3-glucosyltransferase; plus strand). Cytogenetic location: 1p31.3.
Variant type: single nucleotide variant.
Coding change: c.1112T>C on transcript NM_013339.4 (MANE Select); coding-DNA position 1112, T replaced by C.
Protein change: p.Leu371Pro; replaces leucine 371 with proline.
Molecular consequence: missense variant.
Genome position (GRCh38, 1-based): chr1:63,428,786, T>C. VCF-style: chr1-63428786-T-C. GRCh37 (hg19) VCF-style: chr1-63894457-T-C.
Other names: short protein forms L371P.
Identifiers: ClinVar variation 938840 (VCV000938840.9), dbSNP rs1644630271, ClinGen allele CA340639865.

ClinVar aggregate classification (germline): Uncertain significance (1 of 4 stars; one submission).

Conditions:
ALG6-congenital disorder of glycosylation 1C (CDG1C). Also called: CARBOHYDRATE-DEFICIENT GLYCOPROTEIN SYNDROME, TYPE I, WITH DEFICIENT GLYCOSYLATION OF DOLICHOL-LINKED OLIGOSACCHARIDE; CARBOHYDRATE-DEFICIENT GLYCOPROTEIN SYNDROME, TYPE V; Congenital disorder of glycosylation type 1C; Congenital disorder of glycosylation, type Ic; CDG Ic. Identifiers: Orphanet 79320, MedGen C2930997, MONDO:0011291, OMIM 603147.

Allele frequency attached by ClinVar (database versions not stated): gnomAD exomes below 0.00001.
gnomAD v4.1: 2 of 1,610,086 alleles (0.00012%); highest among the groups gnomAD compares: Non-Finnish European, 0.00017%; no homozygotes.

Submission:

Labcorp Genetics (formerly Invitae), Labcorp
Classification: Uncertain significance for ALG6-congenital disorder of glycosylation 1C. Last evaluated: 2024-01-08. Review status: criteria provided, single submitter. Criteria: Invitae Variant Classification Sherloc (09022015). Collection method: clinical testing. Allele origin: germline.
Comment: This sequence change replaces leucine, which is neutral and non-polar, with proline, which is neutral and non-polar, at codon 371 of the ALG6 protein (p.Leu371Pro). This variant is not present in population databases (gnomAD no frequency). This missense change has been observed in individual(s) with clinical features of ALG6-CDG (Invitae). In at least one individual the data is consistent with being in trans (on the opposite chromosome) from a pathogenic variant. ClinVar contains an entry for this variant (Variation ID: 938840). Advanced modeling of protein sequence and biophysical properties (such as structural, functional, and spatial information, amino acid conservation, physicochemical variation, residue mobility, and thermodynamic stability) performed at Invitae indicates that this missense variant is not expected to disrupt ALG6 protein function with a negative predictive value of 80%. In summary, the available evidence is currently insufficient to determine the role of this variant in disease. Therefore, it has been classified as a Variant of Uncertain Significance.